The following is an entry in ClinVar:

ClinVar aggregate classification (germline): Conflicting classifications of pathogenicity. Review status: criteria provided, conflicting classifications (1 of 4 stars). 10 submissions from 10 submitters: Uncertain significance (8); Likely benign (2). Last evaluated 2026-04-06.

Conditions:
Cardiovascular phenotype. Identifiers: MedGen CN230736.
Left ventricular noncompaction. Identifiers: Orphanet 54260, MedGen C1960469, MONDO:0018901, HP:0030682.
Arrhythmogenic right ventricular cardiomyopathy (ARVD). Also called: Cardiomyopathy, ARVC; Arrhythmogenic right ventricular dysplasia; Arrhythmogenic cardiomyopathy; Arrhythmogenic Right Ventricular Cardiomyopathy (ARVC). Identifiers: Orphanet 247, MedGen C0349788, MeSH D019571, MONDO:0016587. Disease mechanism: loss of function. Inheritance: Various modes of inheritance.
Cardiomyopathy (CMYO). Also called: Cardiomyopathies. Identifiers: Orphanet 167848, MedGen C0878544, MONDO:0004994, HP:0001638. Inheritance: Various modes of inheritance.
Arrhythmogenic right ventricular dysplasia 9 (ARVD9). Also called: Arrhythmogenic Right Ventricular Dysplasia/Cardiomyopathy 9; ARRHYTHMOGENIC RIGHT VENTRICULAR DYSPLASIA, FAMILIAL, 9. Identifiers: MedGen C1836906, MONDO:0012180, OMIM 609040.

Allele frequency attached by ClinVar (database versions not stated): gnomAD exomes 0.00004; ExAC 0.00005; TOPMed 0.00006; ESP Exome Variant Server 0.00008; gnomAD 0.00009 and 0.00012; 1000 Genomes Project 0.00040; 1000 Genomes Project 30x 0.00047.

Submissions (10):

Women's Health and Genetics/Laboratory Corporation of America, LabCorp
Classification: Likely benign. Last evaluated: 2026-04-06. Review status: criteria provided, single submitter. Criteria: LabCorp Variant Classification Summary - May 2015. Collection method: clinical testing. Allele origin: germline.
Comment: Variant summary: PKP2 c.2434G>A (p.Asp812Asn) results in a conservative amino acid change in the encoded protein sequence. Algorithms developed to predict the effect of missense changes on protein structure and function are either unavailable or do not agree on the potential impact of this missense change. The variant allele was found at a frequency of 7.9e-05 in 1614006 control chromosomes, predominantly at a frequency of 0.0019 within the East Asian subpopulation in the gnomAD database, including 1 homozygote. The observed variant frequency within East Asian control individuals in the gnomAD database exceeds the estimated maximal expected allele frequency for disease-causing variants in PKP2. c.2434G>A has been observed in individuals affected with Arrhythmogenic Right Ventricular Dysplasia/Cardiomyopathy, without strong evidence for causality (e.g. Kapplinger_2011, Nakajima_2012, Anderson_2013). These reports do not provide unequivocal conclusions about association of the variant with Arrhythmogenic Right Ventricular Dysplasia/Cardiomyopathy. To our knowledge, no experimental evidence demonstrating an impact on protein function has been reported. The following publications have been ascertained in the context of this evaluation (PMID: 23299917, 21636032, 22214898). ClinVar contains an entry for this variant (Variation ID: 403313). Based on the evidence outlined above, the variant was classified as likely benign.

Ambry Genetics
Classification: Uncertain significance for Cardiovascular phenotype. Last evaluated: 2025-11-05. Review status: criteria provided, single submitter. Criteria: Ambry Variant Classification Scheme 2023. Collection method: clinical testing. Allele origin: germline.

Labcorp Genetics (formerly Invitae), Labcorp
Classification: Uncertain significance for Arrhythmogenic right ventricular dysplasia 9. Last evaluated: 2025-10-26. Review status: criteria provided, single submitter. Criteria: Invitae Variant Classification Sherloc (09022015). Collection method: clinical testing. Allele origin: germline.
Comment: This sequence change replaces aspartic acid, which is acidic and polar, with asparagine, which is neutral and polar, at codon 812 of the PKP2 protein (p.Asp812Asn). This variant is present in population databases (rs200947767, gnomAD 0.02%). This missense change has been observed in individual(s) with arrhythmogenic right ventricular cardiomyopathy (PMID: 22214898). ClinVar contains an entry for this variant (Variation ID: 403313). An algorithm developed to predict the effect of missense changes on protein structure and function (PolyPhen-2) suggests that this variant is likely to be tolerated. In summary, the available evidence is currently insufficient to determine the role of this variant in disease. Therefore, it has been classified as a Variant of Uncertain Significance.

Color Diagnostics, LLC DBA Color Health
Classification: Likely benign for Cardiomyopathy. Last evaluated: 2025-08-27. Review status: criteria provided, single submitter. Criteria: ACMG Guidelines, 2015. Collection method: clinical testing. Allele origin: germline.

All of Us Research Program, National Institutes of Health
Classification: Uncertain significance for Arrhythmogenic right ventricular cardiomyopathy. Last evaluated: 2024-09-23. Review status: criteria provided, single submitter. Criteria: ACMG Guidelines, 2015. Collection method: clinical testing. Allele origin: germline. Inheritance: Autosomal dominant inheritance. Observed: 14 variant alleles, 14 heterozygotes.
Comment: This missense variant replaces aspartic acid with asparagine at codon 812 of the PKP2 protein. Computational prediction suggests that this variant may not impact protein structure and function (internally defined REVEL score threshold <= 0.5, PMID: 27666373). To our knowledge, functional studies have not been reported for this variant. This variant has been reported in two Japanese individuals affected with arrhythmogenic right ventricular cardiomyopathy (PMID: 22214898). One of them was a compound heterozygote who also carried a pathogenic variant c.2489+1G>A in the same gene. This variant has also been identified in 15/282856 chromosomes in the general population by the Genome Aggregation Database (gnomAD). The available evidence is insufficient to determine the role of this variant in disease conclusively. Therefore, this variant is classified as a Variant of Uncertain Significance.

This study involves interpretation of variants in research participants for the purpose of population health screening. Participant phenotype was not available at the time of variant classification. Additional details can be found in publication PMID: 35346344, PMCID: PMC8962531

Fulgent Genetics
Classification: Uncertain significance for Arrhythmogenic right ventricular dysplasia 9. Last evaluated: 2021-07-22. Review status: criteria provided, single submitter. Criteria: ACMG Guidelines, 2015. Collection method: clinical testing. Allele origin: unknown.

GeneDx
Classification: Uncertain significance. Last evaluated: 2021-02-19. Review status: criteria provided, single submitter. Criteria: GeneDx Variant Classification Process June 2021. Collection method: clinical testing. Allele origin: germline. Affected: yes.
Comment: Reported in patients with arrhythmogenic right ventricular cardiomyopathy (ARVC) who also harbor additional cardiogenetic variants (Nakajima et al., 2012); Reported in ClinVar as a variant of uncertain significance (ClinVar Variant ID# 403313; Landrum et al., 2016); In silico analysis, which includes protein predictors and evolutionary conservation, supports that this variant does not alter protein structure/function; This variant is associated with the following publications: (PMID: 31402444, 22214898, 21636032, 23299917)

Illumina Laboratory Services, Illumina
Classification: Uncertain significance for Arrhythmogenic right ventricular dysplasia 9. Last evaluated: 2018-08-21. Review status: criteria provided, single submitter. Criteria: ICSL Variant Classification Criteria 13 December 2019. Collection method: clinical testing. Allele origin: germline.
Comment: This variant was observed as part of a predisposition screen in an ostensibly healthy population. A literature search was performed for the gene, cDNA change, and amino acid change (where applicable). Publications were found based on this search. However, the evidence from the literature, in combination with allele frequency data from public databases where available, was not sufficient to rule this variant in or out of causing disease. Therefore, this variant is classified as a variant of unknown significance.

Molecular Diagnostic Laboratory for Inherited Cardiovascular Disease, Montreal Heart Institute
Classification: Uncertain significance for Left ventricular noncompaction. Last evaluated: 2016-11-30. Review status: criteria provided, single submitter. Criteria: ACMG Guidelines, 2015. Collection method: clinical testing. Allele origin: germline. Affected: yes.

Laboratory for Molecular Medicine, Mass General Brigham Personalized Medicine
Classification: Uncertain significance. Last evaluated: 2016-04-25. Review status: criteria provided, single submitter. Criteria: LMM Criteria. Collection method: clinical testing. Allele origin: germline.
Comment: Variant identified in a genome or exome case(s) and assessed due to predicted null impact of the variant or pathogenic assertions in the literature or databases. Disclaimer: This variant has not undergone full assessment. The following are preliminary notes: Only probands are compound hets; ExAC: 2/8654 East Asian chromosomes

Literature cited by the submitters: PubMed 21636032 (cited by Women's Health and Genetics/Laboratory Corporation of America, LabCorp and Illumina Laboratory Services, Illumina); PubMed 23299917 (cited by Women's Health and Genetics/Laboratory Corporation of America, LabCorp and Illumina Laboratory Services, Illumina); PubMed 22214898 (cited by 4 submitters).

NM_001005242.3(PKP2):c.2302G>A (p.Asp768Asn)

Gene: PKP2 (plakophilin 2; minus strand). Cytogenetic location: 12p11.21.
Variant type: single nucleotide variant.
Coding change: c.2302G>A on transcript NM_001005242.3 (MANE Select); coding-DNA position 2302, G replaced by A.
Protein change: p.Asp768Asn; replaces aspartic acid 768 with asparagine.
Molecular consequence: missense variant.
Genome position (GRCh38, 1-based): chr12:32,796,164, C>T on the plus strand (G>A on the coding strand, the complement: PKP2 is on the minus strand). VCF-style: chr12-32796164-C-T. GRCh37 (hg19) VCF-style: chr12-32949098-C-T.
Other names: c.2434G>A, p.Asp812Asn (NM_004572.4); short protein forms D812N, D768N.
Identifiers: ClinVar variation 403313 (VCV000403313.33), dbSNP rs200947767, ClinGen allele CA035178.